The following is an entry in ClinVar:

NM_000092.5(COL4A4):c.1535G>A (p.Gly512Glu)

Gene: COL4A4 (collagen type IV alpha 4 chain; minus strand). Cytogenetic location: 2q36.3.
Variant type: single nucleotide variant.
Coding change: c.1535G>A on transcript NM_000092.5 (MANE Select); coding-DNA position 1535, G replaced by A.
Protein change: p.Gly512Glu; replaces glycine 512 with glutamic acid.
Molecular consequence: missense variant.
Genome position (GRCh38, 1-based): chr2:227,088,741, C>T on the plus strand (G>A on the coding strand, the complement: COL4A4 is on the minus strand). VCF-style: chr2-227088741-C-T. GRCh37 (hg19) VCF-style: chr2-227953457-C-T.
Other names: short protein forms G512E.
Identifiers: ClinVar variation 5003780 (VCV005003780.1).

ClinVar aggregate classification (germline): Uncertain significance (1 of 4 stars; one submission).

Conditions:
Alport syndrome. Also called: Hemorrhagic familial nephritis; Hemorrhagic hereditary nephritis; Congenital hereditary hematuria. Identifiers: Orphanet 63, MedGen C1567741, MONDO:0018965.

Submission:

Myriad Genetics, Inc.
Classification: Uncertain significance for Alport syndrome. Last evaluated: 2026-03-05. Review status: criteria provided, single submitter. Criteria: Myriad Autosomal Dominant, Autosomal Recessive and X-Linked Classification Criteria (2023). Collection method: clinical testing. Allele origin: unknown.
Comment: NM_000092.4(COL4A4):c.1535G>A(G512E) is a missense variant classified as a variant of uncertain significance in the context of Alport syndrome, COL4A4-related. G512E has not been observed in cases with relevant disease. Relevant functional assessments of this variant are not available in the literature. Internal structural analysis of the variant is supportive of pathogenicity. G512E has not been observed in referenced population frequency databases. In summary, there is insufficient evidence to classify NM_000092.4(COL4A4):c.1535G>A(G512E) as pathogenic or benign. Please note: this variant was assessed in the context of healthy population screening.